The following is an entry in ClinVar:

NM_025132.4(WDR19):c.3869C>T (p.Thr1290Met)

Gene: WDR19 (WD repeat domain 19; plus strand). Cytogenetic location: 4p14.
Variant type: single nucleotide variant.
Coding change: c.3869C>T on transcript NM_025132.4 (MANE Select); coding-DNA position 3869, C replaced by T.
Protein change: p.Thr1290Met; replaces threonine 1290 with methionine.
Molecular consequence: missense variant.
Genome position (GRCh38, 1-based): chr4:39,278,159, C>T. VCF-style: chr4-39278159-C-T. GRCh37 (hg19) VCF-style: chr4-39279779-C-T.
Other names: c.3389C>T, p.Thr1130Met (NM_001317924.2); short protein forms T1290M, T1130M.
Identifiers: ClinVar variation 1471411 (VCV001471411.6), dbSNP rs1301360733, ClinGen allele CA356653803.

ClinVar aggregate classification (germline): Conflicting classifications of pathogenicity. Review status: criteria provided, conflicting classifications (1 of 4 stars). 2 submissions from 2 submitters: Likely pathogenic (1); Uncertain significance (1). Last evaluated 2022-10-13.

Conditions:
Senior-Loken syndrome 8 (SLSN8). Identifiers: Orphanet 3156, MedGen C4225376, MONDO:0014579, OMIM 616307.
Asphyxiating thoracic dystrophy 5 (SRTD5). Also called: SHORT-RIB THORACIC DYSPLASIA 5 WITH OR WITHOUT POLYDACTYLY; SHORT-RIB THORACIC DYSPLASIA 5 WITHOUT POLYDACTYLY. Identifiers: Orphanet 474, MedGen C3280598, MONDO:0013717, OMIM 614376.
WDR19-related disorder. Also called: WDR19-related disorders; WDR19-related condition. Identifiers: MedGen CN380161.

Allele frequency attached by ClinVar (database versions not stated): gnomAD exomes below 0.00001 and 0.00001; TOPMed 0.00001.
gnomAD v4.1: 11 of 1,606,862 alleles (0.00068%); highest among the groups gnomAD compares: Non-Finnish European, 0.00076%; no homozygotes.

Submissions (2):

Labcorp Genetics (formerly Invitae), Labcorp
Classification: Uncertain significance for Senior-Loken syndrome 8; Asphyxiating thoracic dystrophy 5. Last evaluated: 2022-10-13. Review status: criteria provided, single submitter. Criteria: Invitae Variant Classification Sherloc (09022015). Collection method: clinical testing. Allele origin: germline.
Comment: This sequence change replaces threonine, which is neutral and polar, with methionine, which is neutral and non-polar, at codon 1290 of the WDR19 protein (p.Thr1290Met). The frequency data for this variant in the population databases is considered unreliable, as metrics indicate poor data quality at this position in the gnomAD database. This variant has not been reported in the literature in individuals affected with WDR19-related conditions. ClinVar contains an entry for this variant (Variation ID: 1471411). Advanced modeling of protein sequence and biophysical properties (such as structural, functional, and spatial information, amino acid conservation, physicochemical variation, residue mobility, and thermodynamic stability) has been performed at Invitae for this missense variant, however the output from this modeling did not meet the statistical confidence thresholds required to predict the impact of this variant on WDR19 protein function. In summary, the available evidence is currently insufficient to determine the role of this variant in disease. Therefore, it has been classified as a Variant of Uncertain Significance.

Blueprint Genetics
Classification: Likely pathogenic for WDR19-related disorders. Last evaluated: 2021-09-19. Review status: criteria provided, single submitter. Criteria: ACMG Guidelines, 2015. Collection method: clinical testing. Allele origin: germline. Affected: yes. Observed: 3 variant alleles.